The following is an entry in ClinVar:

ClinVar aggregate classification (germline): Uncertain significance (1 of 4 stars; one submission).

Conditions:
Cardiovascular phenotype. Identifiers: MedGen CN230736.

gnomAD v4.1: 6 of 1,613,018 alleles (0.00037%); highest among the groups gnomAD compares: Non-Finnish European, 0.00051%; no homozygotes.

Submission:

Ambry Genetics
Classification: Uncertain significance for Cardiovascular phenotype. Last evaluated: 2025-05-03. Review status: criteria provided, single submitter. Criteria: Ambry Variant Classification Scheme 2023. Collection method: clinical testing. Allele origin: germline.
Comment: The p.C166W variant (also known as c.498T>G), located in coding exon 4 of the LAMA4 gene, results from a T to G substitution at nucleotide position 498. The cysteine at codon 166 is replaced by tryptophan, an amino acid with highly dissimilar properties. This amino acid position is conserved. In addition, this alteration is predicted to be deleterious by in silico analysis. Based on the available evidence, the clinical significance of this variant remains unclear.

NM_001105206.3(LAMA4):c.498T>G (p.Cys166Trp)

Gene: LAMA4 (laminin subunit alpha 4; minus strand). Cytogenetic location: 6q21.
Variant type: single nucleotide variant.
Coding change: c.498T>G on transcript NM_001105206.3 (MANE Select); coding-DNA position 498, T replaced by G.
Protein change: p.Cys166Trp; replaces cysteine 166 with tryptophan.
Molecular consequence: missense variant.
Genome position (GRCh38, 1-based): chr6:112,201,613, A>C on the plus strand (T>G on the coding strand, the complement: LAMA4 is on the minus strand). VCF-style: chr6-112201613-A-C. GRCh37 (hg19) VCF-style: chr6-112522814-A-C.
Other names: c.498T>G, p.Cys166Trp (NM_001105207.3, NM_002290.5); short protein forms C166W.
Identifiers: ClinVar variation 4045949 (VCV004045949.1).